The following is an entry in ClinVar:

NM_015693.4(INTU):c.109G>T (p.Asp37Tyr)

Gene: INTU (inturned planar cell polarity protein; plus strand). Cytogenetic location: 4q28.1.
Variant type: single nucleotide variant.
Coding change: c.109G>T on transcript NM_015693.4 (MANE Select); coding-DNA position 109, G replaced by T.
Protein change: p.Asp37Tyr; replaces aspartic acid 37 with tyrosine.
Molecular consequence: missense variant.
Genome position (GRCh38, 1-based): chr4:127,633,143, G>T. VCF-style: chr4-127633143-G-T. GRCh37 (hg19) VCF-style: chr4-128554298-G-T.
Other names: short protein forms D37Y.
Identifiers: ClinVar variation 1944878 (VCV001944878.5), dbSNP rs2530873003, ClinGen allele CA358132009.

ClinVar aggregate classification (germline): Uncertain significance (1 of 4 stars; one submission).

Allele frequency attached by ClinVar (database versions not stated): gnomAD exomes below 0.00001.
gnomAD v4.1: 1 of 1,613,994 alleles (0.000062%); highest among the groups gnomAD compares: Admixed American, 0.0017%; no homozygotes.

Submission:

Labcorp Genetics (formerly Invitae), Labcorp
Classification: Uncertain significance. Last evaluated: 2025-12-14. Review status: criteria provided, single submitter. Criteria: Invitae Variant Classification Sherloc (09022015). Collection method: clinical testing. Allele origin: germline.
Comment: This sequence change replaces aspartic acid, which is acidic and polar, with tyrosine, which is neutral and polar, at codon 37 of the INTU protein (p.Asp37Tyr). This variant is not present in population databases (gnomAD no frequency). This variant has not been reported in the literature in individuals affected with INTU-related conditions. ClinVar contains an entry for this variant (Variation ID: 1944878). Invitae Evidence Modeling of protein sequence and biophysical properties (such as structural, functional, and spatial information, amino acid conservation, physicochemical variation, residue mobility, and thermodynamic stability) indicates that this missense variant is not expected to disrupt INTU protein function with a negative predictive value of 80%. In summary, the available evidence is currently insufficient to determine the role of this variant in disease. Therefore, it has been classified as a Variant of Uncertain Significance.